The following is an entry in ClinVar:

NM_000383.4(AIRE):c.663G>C (p.Lys221Asn)

Gene: AIRE (autoimmune regulator; plus strand). Cytogenetic location: 21q22.3.
Variant type: single nucleotide variant.
Coding change: c.663G>C on transcript NM_000383.4 (MANE Select); coding-DNA position 663, G replaced by C.
Protein change: p.Lys221Asn; replaces lysine 221 with asparagine.
Molecular consequence: missense variant.
Genome position (GRCh38, 1-based): chr21:44,289,667, G>C. VCF-style: chr21-44289667-G-C. GRCh37 (hg19) VCF-style: chr21-45709550-G-C.
Other names: short protein forms K221N.
Identifiers: ClinVar variation 3898478 (VCV003898478.8).
Genomic context (GRCh38, chr21:44,289,667, plus strand): 5'-GCAGGTCCTGCTGGGCGGGTGAGCCAGGACCAGCCGGCATCTCCTCCCAGGCGGCTCCAA[G>C]AAGTGCATCCAGGTTGGCGGGGAGTTCTACACTCCCAGCAAGTTCGAAGACTCCGGCAGT-3'
Protein context (NP_000374.1, residues 211-231): IQQVFESGGS[Lys221Asn]KCIQVGGEFY

ClinVar aggregate classification (germline): Uncertain significance. Review status: criteria provided, multiple submitters, no conflicts (2 of 4 stars). 2 submissions from 2 submitters: Uncertain significance (2). Last evaluated 2025-05-18.

Conditions:
Polyglandular autoimmune syndrome, type 1 (APS1). Also called: AUTOIMMUNE POLYENDOCRINE SYNDROME, TYPE I, WITH OR WITHOUT REVERSIBLE METAPHYSEAL DYSPLASIA; APS I; HYPOADRENOCORTICISM WITH HYPOPARATHYROIDISM AND SUPERFICIAL MONILIASIS; PGA I; Autoimmune polyendocrine syndrome type 1; Whitaker syndrome. Identifiers: Orphanet 3453, MedGen C0085859, MONDO:0009411, OMIM 240300.

Submissions (2):

Labcorp Genetics (formerly Invitae), Labcorp
Classification: Uncertain significance for Polyglandular autoimmune syndrome, type 1. Last evaluated: 2025-05-18. Review status: criteria provided, single submitter. Criteria: Invitae Variant Classification Sherloc (09022015). Collection method: clinical testing. Allele origin: germline.
Comment: This sequence change replaces lysine, which is basic and polar, with asparagine, which is neutral and polar, at codon 221 of the AIRE protein (p.Lys221Asn). This variant is present in population databases (rs375610687, gnomAD 0.007%). This variant has not been reported in the literature in individuals affected with AIRE-related conditions. Invitae Evidence Modeling of protein sequence and biophysical properties (such as structural, functional, and spatial information, amino acid conservation, physicochemical variation, residue mobility, and thermodynamic stability) has been performed for this missense variant. However, the output from this modeling did not meet the statistical confidence thresholds required to predict the impact of this variant on AIRE protein function. In summary, the available evidence is currently insufficient to determine the role of this variant in disease. Therefore, it has been classified as a Variant of Uncertain Significance.

CeGaT Center for Human Genetics Tuebingen
Classification: Uncertain significance. Last evaluated: 2025-04-01. Review status: criteria provided, single submitter. Criteria: CeGaT Center For Human Genetics Tuebingen Variant Classification Criteria Version 2. Collection method: clinical testing. Allele origin: germline. Affected: yes. Observed: 1 variant allele.
Comment: AIRE: PM2